The following is an entry in ClinVar:

ClinVar aggregate classification (germline): Uncertain significance (1 of 4 stars; one submission).

Conditions:
Hereditary sensory and autonomic neuropathy type 6. Also called: HSAN VI; Neuropathy, hereditary sensory and autonomic, type VI. Identifiers: Orphanet 314381, MedGen C3539003, MONDO:0013839, OMIM 614653.
Epidermolysis bullosa simplex 3, localized or generalized intermediate, with BP230 deficiency (EBS3). Also called: Epidermolysis bullosa simplex due to BP230 deficiency; Epidermolysis bullosa simplex, autosomal recessive 2. Identifiers: Orphanet 412181, MedGen C3809470, MONDO:0014180, OMIM 615425.

Allele frequency attached by ClinVar (database versions not stated): TOPMed below 0.00001.
gnomAD v4.1: 1 of 1,612,260 alleles (0.000062%); no homozygotes.

Submission:

Labcorp Genetics (formerly Invitae), Labcorp
Classification: Uncertain significance for Epidermolysis bullosa simplex 3, localized or generalized intermediate, with BP230 deficiency; Hereditary sensory and autonomic neuropathy type 6. Last evaluated: 2022-03-03. Review status: criteria provided, single submitter. Criteria: Invitae Variant Classification Sherloc (09022015). Collection method: clinical testing. Allele origin: germline.
Comment: In summary, the available evidence is currently insufficient to determine the role of this variant in disease. Therefore, it has been classified as a Variant of Uncertain Significance. Experimental studies and prediction algorithms are not available or were not evaluated, and the functional significance of this variant is currently unknown. This variant has not been reported in the literature in individuals affected with DST-related conditions. This variant is not present in population databases (gnomAD no frequency). This sequence change replaces lysine, which is basic and polar, with glutamine, which is neutral and polar, at codon 1305 of the DST protein (p.Lys1305Gln). The DST gene has multiple clinically relevant transcripts. This variant occurs in alternate transcript NM_015548.4, and corresponds to NM_001723.5:c.*16895A>C in the primary transcript.

NM_001374736.1(DST):c.11782A>C (p.Lys3928Gln)

Gene: DST (dystonin; minus strand). Cytogenetic location: 6p12.1.
Variant type: single nucleotide variant.
Coding change: c.11782A>C on transcript NM_001374736.1 (MANE Select); coding-DNA position 11782, A replaced by C.
Protein change: p.Lys3928Gln; replaces lysine 3928 with glutamine.
Molecular consequence: missense variant.
Genome position (GRCh38, 1-based): chr6:56,598,622, T>G on the plus strand (A>C on the coding strand, the complement: DST is on the minus strand). VCF-style: chr6-56598622-T-G. GRCh37 (hg19) VCF-style: chr6-56463420-T-G.
Other names: c.5425A>C, p.Lys1809Gln (NM_001144769.5); c.5011A>C, p.Lys1671Gln (NM_001144770.2); c.11782A>C, p.Lys3928Gln (NM_001374722.1); c.11149A>C, p.Lys3717Gln (NM_001374729.1); c.4891A>C, p.Lys1631Gln (NM_001374730.1, NM_001386100.1, NM_183380.4); c.11809A>C, p.Lys3937Gln (NM_001374734.1); c.3913A>C, p.Lys1305Gln (NM_015548.5); short protein forms K3717Q, K3928Q, K1305Q, K1631Q, K1671Q, K1809Q, K3937Q.
Identifiers: ClinVar variation 2099718 (VCV002099718.4), dbSNP rs1214673096, ClinGen allele CA364529222.